The following is an entry in ClinVar:

NM_018124.4(RFWD3):c.61C>G (p.Pro21Ala)

Gene: RFWD3 (ring finger and WD repeat domain 3; minus strand). Cytogenetic location: 16q23.1.
Variant type: single nucleotide variant.
Coding change: c.61C>G on transcript NM_018124.4 (MANE Select); coding-DNA position 61, C replaced by G.
Protein change: p.Pro21Ala; replaces proline 21 with alanine.
Molecular consequence: missense variant. On other transcripts: 5 prime UTR variant (4), intron variant (1).
Genome position (GRCh38, 1-based): chr16:74,661,389, G>C on the plus strand (C>G on the coding strand, the complement: RFWD3 is on the minus strand). VCF-style: chr16-74661389-G-C. GRCh37 (hg19) VCF-style: chr16-74695287-G-C.
Other names: c.61C>G, p.Pro21Ala (NM_001370534.1, NM_001370535.1, NM_001370536.1); c.-948C>G (NM_001370537.1); c.-571C>G (NM_001370539.1); c.-825C>G (NM_001370542.1); c.-703C>G (NM_001370543.1); c.-317+3235C>G (NM_001370540.1); short protein forms P21A.
Identifiers: ClinVar variation 3729535 (VCV003729535.2).
Genomic context (GRCh38, chr16:74,661,389, plus strand): 5'-CAGGAACAGGCTGGAGGAGGGCTGGTCCCCCTTGGCTGCTGGCCATGCCAGCAGGAGCTG[G>C]CTGTTGTTCGGCATGATTTAACTGCACCTGAACATCATATTCCATTGCTTCATGAGCCAT-3'
Protein context (NP_060594.3, residues 11-31): QVQLNHAEQQ[Pro21Ala]APAGMASSQG

ClinVar aggregate classification (germline): Uncertain significance (1 of 4 stars; one submission).

Submission:

Labcorp Genetics (formerly Invitae), Labcorp
Classification: Uncertain significance. Last evaluated: 2025-01-23. Review status: criteria provided, single submitter. Criteria: Invitae Variant Classification Sherloc (09022015). Collection method: clinical testing. Allele origin: germline.
Comment: This sequence change replaces proline, which is neutral and non-polar, with alanine, which is neutral and non-polar, at codon 21 of the RFWD3 protein (p.Pro21Ala). This variant is not present in population databases (gnomAD no frequency). This variant has not been reported in the literature in individuals affected with RFWD3-related conditions. An algorithm developed to predict the effect of missense changes on protein structure and function outputs the following: PolyPhen-2: "Benign". The alanine amino acid residue is found in multiple mammalian species, which suggests that this missense change does not adversely affect protein function. In summary, the available evidence is currently insufficient to determine the role of this variant in disease. Therefore, it has been classified as a Variant of Uncertain Significance.